The following is an entry in ClinVar:

ClinVar aggregate classification (germline): Uncertain significance (1 of 4 stars; one submission).

Submission:

GeneDx
Classification: Uncertain significance. Last evaluated: 2023-03-20. Review status: criteria provided, single submitter. Criteria: GeneDx Variant Classification Process June 2021. Collection method: clinical testing. Allele origin: germline. Affected: yes.
Comment: Not observed at significant frequency in large population cohorts (gnomAD); In silico analysis supports that this missense variant does not alter protein structure/function; Has not been previously published as pathogenic or benign to our knowledge

NM_001375524.1(TRRAP):c.1935A>C (p.Leu645Phe)

Gene: TRRAP (transformation/transcription domain associated protein; plus strand). Cytogenetic location: 7q22.1.
Variant type: single nucleotide variant.
Coding change: c.1935A>C on transcript NM_001375524.1 (MANE Select); coding-DNA position 1935, A replaced by C.
Protein change: p.Leu645Phe; replaces leucine 645 with phenylalanine.
Molecular consequence: missense variant.
Genome position (GRCh38, 1-based): chr7:98,911,199, A>C. VCF-style: chr7-98911199-A-C. GRCh37 (hg19) VCF-style: chr7-98508822-A-C.
Other names: c.1935A>C, p.Leu645Phe (NM_001244580.2, NM_003496.4); short protein forms L645F.
Identifiers: ClinVar variation 2580523 (VCV002580523.1), dbSNP rs2484716205, ClinGen allele CA368287963.